The following is an entry in ClinVar:

ClinVar aggregate classification (germline): Conflicting classifications of pathogenicity. Review status: criteria provided, conflicting classifications (1 of 4 stars). 4 submissions from 4 submitters: Uncertain significance (3); Likely benign (1). Last evaluated 2025-06-20.

Conditions:
EHHADH-related disorder. Also called: EHHADH-related condition.

Allele frequency attached by ClinVar (database versions not stated): gnomAD exomes 0.00005 and 0.00004; gnomAD 0.00006 and 0.00007; ExAC 0.00007; TOPMed 0.00008.
gnomAD v4.1: 63 of 1,613,856 alleles (0.0039%); highest among the groups gnomAD compares: Middle Eastern, 0.016%; no homozygotes.

Submissions (4):

PreventionGenetics, part of Exact Sciences
Classification: Uncertain significance for EHHADH-related condition. Last evaluated: 2025-06-20. Review status: criteria provided, single submitter. Criteria: ACMG Guidelines, 2015. Collection method: clinical testing. Allele origin: germline.
Comment: The EHHADH c.298G>A variant is predicted to result in the amino acid substitution p.Gly100Arg. To our knowledge, this variant has not been reported in the literature. This variant is reported in 0.017% of alleles in individuals of Latino descent in gnomAD. Although we suspect that this variant may be benign, at this time, the clinical significance of this variant is uncertain due to the absence of conclusive functional and genetic evidence.

Ambry Genetics
Classification: Uncertain significance. Last evaluated: 2024-01-22. Review status: criteria provided, single submitter. Criteria: Ambry Variant Classification Scheme 2023. Collection method: clinical testing. Allele origin: germline.

CeGaT Center for Human Genetics Tuebingen
Classification: Likely benign. Last evaluated: 2023-12-01. Review status: criteria provided, single submitter. Criteria: CeGaT Center For Human Genetics Tuebingen Variant Classification Criteria Version 2. Collection method: clinical testing. Allele origin: germline. Affected: yes. Observed: 1 variant allele.
Comment: EHHADH: BS1

Eurofins Ntd Llc (ga)
Classification: Uncertain significance. Last evaluated: 2018-08-16. Review status: criteria provided, single submitter. Criteria: EGL ClinVar v180209 classification definitions. Collection method: clinical testing. Allele origin: germline. Observed: 1 variant allele, 1 heterozygote.

NM_001966.4(EHHADH):c.298G>A (p.Gly100Arg)

Gene: EHHADH (enoyl-CoA hydratase and 3-hydroxyacyl CoA dehydrogenase; minus strand). Cytogenetic location: 3q27.2.
Variant type: single nucleotide variant.
Coding change: c.298G>A on transcript NM_001966.4 (MANE Select); coding-DNA position 298, G replaced by A.
Protein change: p.Gly100Arg; replaces glycine 100 with arginine.
Molecular consequence: missense variant.
Genome position (GRCh38, 1-based): chr3:185,235,343, C>T on the plus strand (G>A on the coding strand, the complement: EHHADH is on the minus strand). VCF-style: chr3-185235343-C-T. GRCh37 (hg19) VCF-style: chr3-184953131-C-T.
Other names: c.10G>A, p.Gly4Arg (NM_001166415.2); c.298G>A (NM_001966.3); short protein forms G100R, G4R.
Identifiers: ClinVar variation 598434 (VCV000598434.29), dbSNP rs768718791, ClinGen allele CA2739265.